The following is an entry in ClinVar:

NM_020693.4(DSCAML1):c.-57G>A

Gene: DSCAML1 (DS cell adhesion molecule like 1; minus strand). Cytogenetic location: 11q23.3.
Variant type: single nucleotide variant.
Coding change: c.-57G>A on transcript NM_020693.4 (MANE Select); 57 bases upstream of the start codon, G replaced by A.
Molecular consequence: 5 prime UTR variant. On other transcripts: intron variant (1).
Genome position (GRCh38, 1-based): chr11:117,797,136, C>T on the plus strand (G>A on the coding strand, the complement: DSCAML1 is on the minus strand). VCF-style: chr11-117797136-C-T. GRCh37 (hg19) VCF-style: chr11-117667851-C-T.
Other names: c.-57G>A (NM_001367904.1); c.-362-16326G>A (NM_001367905.1); c.124G>A (NM_020693.2).
Identifiers: ClinVar variation 2166144 (VCV002166144.5), dbSNP rs201176316, ClinGen allele CA6297697.

ClinVar aggregate classification (germline): Uncertain significance. Review status: criteria provided, multiple submitters, no conflicts (2 of 4 stars). 2 submissions from 2 submitters: Uncertain significance (2). Last evaluated 2025-10-06.

Allele frequency attached by ClinVar (database versions not stated): gnomAD exomes 0.00002; gnomAD 0.00003; TOPMed 0.00003; ExAC 0.00007; 1000 Genomes Project 0.00020; 1000 Genomes Project 30x 0.00031.
gnomAD v4.1: 17 of 1,590,624 alleles (0.0011%); highest among the groups gnomAD compares: Admixed American, 0.016%; no homozygotes.

Submissions (2):

Labcorp Genetics (formerly Invitae), Labcorp
Classification: Uncertain significance. Last evaluated: 2025-10-06. Review status: criteria provided, single submitter. Criteria: Invitae Variant Classification Sherloc (09022015). Collection method: clinical testing. Allele origin: germline.
Comment: This sequence change replaces alanine, which is neutral and non-polar, with threonine, which is neutral and polar, at codon 42 of the DSCAML1 protein (p.Ala42Thr). The frequency data for this variant in the population databases is considered unreliable, as metrics indicate poor data quality at this position in the gnomAD database. This variant has not been reported in the literature in individuals affected with DSCAML1-related conditions. ClinVar contains an entry for this variant (Variation ID: 2166144). Experimental studies and prediction algorithms are not available or were not evaluated, and the functional significance of this variant is currently unknown. In summary, the available evidence is currently insufficient to determine the role of this variant in disease. Therefore, it has been classified as a Variant of Uncertain Significance.

Ambry Genetics
Classification: Uncertain significance. Last evaluated: 2025-07-01. Review status: criteria provided, single submitter. Criteria: Ambry Variant Classification Scheme 2023. Collection method: clinical testing. Allele origin: germline.